The following is an entry in ClinVar:

ClinVar aggregate classification (germline): Pathogenic/Likely pathogenic. Review status: criteria provided, multiple submitters, no conflicts (2 of 4 stars). 3 submissions from 3 submitters: Pathogenic (1); Likely pathogenic (2). Last evaluated 2023-09-12.

Conditions:
Cystinosis. Also called: Cystine diathesis; Cystine storage disease; Cystinoses. Identifiers: Orphanet 213, MedGen C4316899, MONDO:0016239.
Juvenile nephropathic cystinosis. Also called: Intermediate Cystinosis; CYSTINOSIS, LATE-ONSET JUVENILE OR ADOLESCENT NEPHROPATHIC TYPE; Later-Onset (Juvenile) Cystinosis. Identifiers: Orphanet 213, Orphanet 411634, MedGen C0268626, MONDO:0009066, OMIM 219900.
Inborn genetic diseases. Identifiers: MedGen C0950123, MeSH D030342.
Ocular cystinosis. Also called: Non-Nephropathic Cystinosis; Non-Nephropathic (Ocular) Cystinosis. Identifiers: Orphanet 213, Orphanet 411641, MedGen C2931013, MONDO:0009064, OMIM 219750.
Nephropathic cystinosis (CTNS). Also called: Abderhalden Lignac Kaufmann disease; Abderhalden-Kaufmann-Lignac syndrome; CYSTINOSIN, DEFECT OF; LYSOSOMAL CYSTINE TRANSPORT PROTEIN, DEFECT OF. Identifiers: Orphanet 213, Orphanet 411629, MedGen C2931187, MONDO:0100151, OMIM 219800.

gnomAD v4.1: 1 of 1,611,940 alleles (0.000062%); highest among the groups gnomAD compares: Non-Finnish European, 0.000085%; no homozygotes.

Submissions (3):

Women's Health and Genetics/Laboratory Corporation of America, LabCorp
Classification: Likely pathogenic for Cystinosis. Last evaluated: 2023-09-12. Review status: criteria provided, single submitter. Criteria: LabCorp Variant Classification Summary - May 2015. Collection method: clinical testing. Allele origin: germline.
Comment: Variant summary: CTNS c.839A>G (p.Lys280Arg) results in a conservative amino acid change located in the fifth inter transmembrane domain (Kalatziz_2004) of the encoded protein sequence. Four of five in-silico tools predict a damaging effect of the variant on protein function. The variant was absent in 250982 control chromosomes (gnomAD). c.839A>G has been reported in the literature in at least two individuals affected with juvenile/intermmediate Cystinosis, including one case where it was found in the compound heterozygous state in trans with a pathogenic variant (e.g. Theone_1999, Kalatzis_2004, Servais_2008). These data do not allow any strong conclusion about variant significance. At least one publication reports experimental evidence evaluating an impact on protein function (Kalatzis_2004). The most pronounced variant effect results in abolishment (<1%) of normal Cystine transport activity. The following publications have been ascertained in the context of this evaluation (PMID: 15128704, 18178779, 10444339). One submitter has provided a clinical-significance assessment for this variant to ClinVar after 2014, citing an internal observation of the variant in at least one individual, and has classified the variant as pathogenic. Based on the evidence outlined above, the variant was classified as likely pathogenic.

Baylor Genetics
Classification: Likely pathogenic for Nephropathic cystinosis. Last evaluated: 2023-02-05. Review status: criteria provided, single submitter. Criteria: ACMG Guidelines, 2015. Collection method: clinical testing. Allele origin: unknown.

Labcorp Genetics (formerly Invitae), Labcorp
Classification: Pathogenic for Inborn genetic diseases; Ocular cystinosis; Juvenile nephropathic cystinosis. Last evaluated: 2022-08-16. Review status: criteria provided, single submitter. Criteria: Invitae Variant Classification Sherloc (09022015). Collection method: clinical testing. Allele origin: germline.
Comment: This missense change has been observed in individual(s) with cystinosis (PMID: 10444339, 18178779; Invitae). In at least one individual the data is consistent with being in trans (on the opposite chromosome) from a pathogenic variant. This variant is not present in population databases (gnomAD no frequency). This sequence change replaces lysine, which is basic and polar, with arginine, which is basic and polar, at codon 280 of the CTNS protein (p.Lys280Arg). ClinVar contains an entry for this variant (Variation ID: 1067346). For these reasons, this variant has been classified as Pathogenic. Algorithms developed to predict the effect of sequence changes on RNA splicing suggest that this variant may disrupt the consensus splice site. Experimental studies have shown that this missense change affects CTNS function (PMID: 15128704, 28465352). Algorithms developed to predict the effect of missense changes on protein structure and function (SIFT, PolyPhen-2, Align-GVGD) all suggest that this variant is likely to be disruptive.

Literature cited by the submitters: PubMed 15128704 (cited by Women's Health and Genetics/Laboratory Corporation of America, LabCorp and Labcorp Genetics (formerly Invitae), Labcorp); PubMed 18178779 (cited by Women's Health and Genetics/Laboratory Corporation of America, LabCorp and Labcorp Genetics (formerly Invitae), Labcorp); PubMed 10444339 (cited by Women's Health and Genetics/Laboratory Corporation of America, LabCorp and Labcorp Genetics (formerly Invitae), Labcorp); PubMed 28465352 (cited by Labcorp Genetics (formerly Invitae), Labcorp).

NM_004937.3(CTNS):c.839A>G (p.Lys280Arg)

Gene: CTNS (cystinosin, lysosomal cystine transporter; plus strand). Cytogenetic location: 17p13.2.
Variant type: single nucleotide variant.
Coding change: c.839A>G on transcript NM_004937.3 (MANE Select); coding-DNA position 839, A replaced by G.
Protein change: p.Lys280Arg; replaces lysine 280 with arginine.
Molecular consequence: missense variant.
Genome position (GRCh38, 1-based): chr17:3,658,162, A>G. VCF-style: chr17-3658162-A-G. GRCh37 (hg19) VCF-style: chr17-3561456-A-G.
Other names: c.839A>G, p.Lys280Arg (NM_001031681.3, NM_001374492.1); c.398A>G, p.Lys133Arg (NM_001374493.1, NM_001374494.1, NM_001374495.1 and 1 more transcripts); short protein forms K133R, K280R.
Identifiers: ClinVar variation 1067346 (VCV001067346.12), dbSNP rs2150925451, ClinGen allele CA397692730.